The following is an entry in ClinVar:

NM_001457.4(FLNB):c.1652A>T (p.Lys551Ile)

Gene: FLNB (filamin B; plus strand). Cytogenetic location: 3p14.3.
Variant type: single nucleotide variant.
Coding change: c.1652A>T on transcript NM_001457.4 (MANE Select); coding-DNA position 1652, A replaced by T.
Protein change: p.Lys551Ile; replaces lysine 551 with isoleucine.
Molecular consequence: missense variant.
Genome position (GRCh38, 1-based): chr3:58,105,121, A>T. VCF-style: chr3-58105121-A-T. GRCh37 (hg19) VCF-style: chr3-58090848-A-T.
Other names: c.1652A>T, p.Lys551Ile (NM_001164317.2, NM_001164318.2, NM_001164319.2); short protein forms K551I.
Identifiers: ClinVar variation 3382019 (VCV003382019.2).

ClinVar aggregate classification (germline): Uncertain significance (1 of 4 stars; one submission).

Conditions:
Atelosteogenesis type III. Also called: Atelosteogenesis Type 3 (FLNB-AO3). Identifiers: Orphanet 56305, MedGen C3668942, MONDO:0007168, OMIM 108721.
Atelosteogenesis type I. Also called: GIANT CELL CHONDRODYSPLASIA; SPONDYLOHUMEROFEMORAL HYPOPLASIA; Atelosteogenesis Type 1 (FLNB-AO1). Identifiers: Orphanet 1190, MedGen C0265283, MONDO:0007167, OMIM 108720.
Boomerang dysplasia. Identifiers: Orphanet 1263, MedGen C0432201, MONDO:0007208, OMIM 112310.
Spondylocarpotarsal synostosis syndrome (SCT). Also called: SPONDYLOCARPOTARSAL SYNDROME; VERTEBRAL FUSION WITH CARPAL COALITION; Synspondylism congenital; Scoliosis, congenital with unilateral unsegmented bar; Spondylocarpotarsal Synostosis Syndrome (FLNB-SCT). Identifiers: Orphanet 3275, MedGen C1848934, MONDO:0010094, OMIM 272460.
Larsen syndrome (LRS). Also called: Bilateral dislocation of the knees, pes cavus, cylindrically shaped fingers and characteristic facies; Larsen syndrome (FLNB-LS). Identifiers: Orphanet 503, MedGen C0175778, MONDO:0007875, OMIM 150250. Disease mechanism: loss of function.

Submission:

Juno Genomics, Hangzhou Juno Genomics, Inc
Classification: Uncertain significance for Atelosteogenesis type I; Atelosteogenesis type III; Boomerang dysplasia; Larsen syndrome; Spondylocarpotarsal synostosis syndrome. Review status: criteria provided, single submitter. Criteria: ACMG Guidelines, 2015. Collection method: clinical testing. Allele origin: germline. Affected: yes.
Comment: Absent from controls (or at extremely low frequency if recessive) in Genome Aggregation Database, Exome Sequencing Project, 1000 Genomes Project, or Exome Aggregation Consortium.;Multiple lines of computational evidence support a deleterious effect on the gene or gene product (conservation, evolutionary, splicing impact, etc).;Patient's phenotype or family history is highly specific for a disease with a single genetic etiology.